The following is an entry in ClinVar:

NM_001370259.2(MEN1):c.731A>C (p.Asn244Thr)

Gene: MEN1 (menin 1; minus strand). Cytogenetic location: 11q13.1.
Variant type: single nucleotide variant.
Coding change: c.731A>C on transcript NM_001370259.2 (MANE Select); coding-DNA position 731, A replaced by C.
Protein change: p.Asn244Thr; replaces asparagine 244 with threonine.
Molecular consequence: missense variant. On other transcripts: non-coding transcript variant (4).
Genome position (GRCh38, 1-based): chr11:64,807,604, T>G on the plus strand (A>C on the coding strand, the complement: MEN1 is on the minus strand). VCF-style: chr11-64807604-T-G. GRCh37 (hg19) VCF-style: chr11-64575076-T-G.
Other names: c.746A>C, p.Asn249Thr (NM_000244.4, NM_001407145.1, NM_001407150.1 and 5 more transcripts); c.731A>C, p.Asn244Thr (NM_001370251.2, NM_001370260.2, NM_001370261.2 and 7 more transcripts); c.626A>C, p.Asn209Thr (NM_001370262.2, NM_001370263.2, NM_001407148.1 and 2 more transcripts); short protein forms N209T, N244T, N249T.
Identifiers: ClinVar variation 3387024 (VCV003387024.1).
Genomic context (GRCh38, chr11:64,807,604, plus strand): 5'-GCCCTCACCTGCTGCAGCTGCAGAAGCTCCAGCGAGTCGGTGTGCAGGTCAATGGAAGGG[T>G]TGATGGCACACACCATGAACGCCACCTCCATCTTGCGGTCACAGCGCATGTATGATCCTT-3'
Protein context (NP_001357188.2, residues 234-254): MEVAFMVCAI[Asn244Thr]PSIDLHTDSL

ClinVar aggregate classification (germline): Uncertain significance (1 of 4 stars; one submission).

Conditions:
Multiple endocrine neoplasia, type 1 (MEN1). Also called: MEN I; WERMER SYNDROME; Endocrine adenomatosis multiple; MEN 1; MEA I. Identifiers: Orphanet 652, MedGen C0025267, MeSH D018761, MONDO:0007540, OMIM 131100.

gnomAD v4.1: 1 of 1,614,046 alleles (0.000062%); highest among the groups gnomAD compares: East Asian, 0.0022%; no homozygotes.

Submission:

All of Us Research Program, National Institutes of Health
Classification: Uncertain significance for Multiple endocrine neoplasia, type 1. Last evaluated: 2024-08-06. Review status: criteria provided, single submitter. Criteria: ACMG Guidelines, 2015. Collection method: clinical testing. Allele origin: germline. Inheritance: Autosomal dominant inheritance. Observed: 1 variant allele, 1 heterozygote.
Comment: This study involves interpretation of variants in research participants for the purpose of population health screening. Participant phenotype was not available at the time of variant classification. Additional details can be found in publication PMID: 35346344, PMCID: PMC8962531